The following is an entry in ClinVar:

ClinVar aggregate classification (germline): Uncertain significance (1 of 4 stars; one submission).

Conditions:
Baller-Gerold syndrome (BGS). Also called: CRANIOSYNOSTOSIS WITH RADIAL DEFECTS. Identifiers: Orphanet 1225, MedGen C0265308, MONDO:0009039, OMIM 218600.

Submission:

Labcorp Genetics (formerly Invitae), Labcorp
Classification: Uncertain significance for Baller-Gerold syndrome. Last evaluated: 2022-09-01. Review status: criteria provided, single submitter. Criteria: Invitae Variant Classification Sherloc (09022015). Collection method: clinical testing. Allele origin: germline.
Comment: In summary, the available evidence is currently insufficient to determine the role of this variant in disease. Therefore, it has been classified as a Variant of Uncertain Significance. Experimental studies and prediction algorithms are not available or were not evaluated, and the functional significance of this variant is currently unknown. ClinVar contains an entry for this variant (Variation ID: 1021933). This variant has not been reported in the literature in individuals affected with RECQL4-related conditions. This variant is not present in population databases (gnomAD no frequency). This sequence change replaces glutamic acid, which is acidic and polar, with alanine, which is neutral and non-polar, at codon 442 of the RECQL4 protein (p.Glu442Ala).

NM_004260.4(RECQL4):c.1325A>C (p.Glu442Ala)

Gene: RECQL4 (RecQ like helicase 4; minus strand). Cytogenetic location: 8q24.3.
Variant type: single nucleotide variant.
Coding change: c.1325A>C on transcript NM_004260.4 (MANE Select); coding-DNA position 1325, A replaced by C.
Protein change: p.Glu442Ala; replaces glutamic acid 442 with alanine.
Molecular consequence: missense variant.
Genome position (GRCh38, 1-based): chr8:144,515,391, T>G on the plus strand (A>C on the coding strand, the complement: RECQL4 is on the minus strand). VCF-style: chr8-144515391-T-G. GRCh37 (hg19) VCF-style: chr8-145740775-T-G.
Other names: short protein forms E442A.
Identifiers: ClinVar variation 1021933 (VCV001021933.5), dbSNP rs1828012352, ClinGen allele CA372685665.